The following is an entry in ClinVar:

ClinVar aggregate classification (germline): Uncertain significance (1 of 4 stars; one submission).

Conditions:
Supravalvar aortic stenosis (SVAS). Also called: Supravalvar aortic stenosis, Eisenberg type. Identifiers: Orphanet 3193, MedGen C0003499, MONDO:0008504, OMIM 185500, HP:0004381.

Submission:

Labcorp Genetics (formerly Invitae), Labcorp
Classification: Uncertain significance for Supravalvar aortic stenosis. Last evaluated: 2022-06-22. Review status: criteria provided, single submitter. Criteria: Invitae Variant Classification Sherloc (09022015). Collection method: clinical testing. Allele origin: germline.
Comment: In summary, the available evidence is currently insufficient to determine the role of this variant in disease. Therefore, it has been classified as a Variant of Uncertain Significance. Algorithms developed to predict the effect of missense changes on protein structure and function are either unavailable or do not agree on the potential impact of this missense change (SIFT: "Deleterious"; PolyPhen-2: "Not Available"; Align-GVGD: "Class C65"). This variant has not been reported in the literature in individuals affected with ELN-related conditions. This variant is not present in population databases (gnomAD no frequency). This sequence change replaces proline, which is neutral and non-polar, with leucine, which is neutral and non-polar, at codon 161 of the ELN protein (p.Pro161Leu).

NM_000501.4(ELN):c.482C>T (p.Pro161Leu)

Gene: ELN (elastin; plus strand). Cytogenetic location: 7q11.23.
Variant type: single nucleotide variant.
Coding change: c.482C>T on transcript NM_000501.4 (MANE Select); coding-DNA position 482, C replaced by T.
Protein change: p.Pro161Leu; replaces proline 161 with leucine.
Molecular consequence: missense variant. On other transcripts: intron variant (1).
Genome position (GRCh38, 1-based): chr7:74,045,234, C>T. VCF-style: chr7-74045234-C-T. GRCh37 (hg19) VCF-style: chr7-73459564-C-T.
Other names: c.452C>T, p.Pro151Leu (NM_001081752.3, NM_001278917.2); c.497C>T, p.Pro166Leu (NM_001081753.3, NM_001081754.3); c.482C>T, p.Pro161Leu (NM_001081755.3, NM_001278912.2, NM_001278915.2 and 2 more transcripts); c.446C>T, p.Pro149Leu (NM_001278913.2); c.467C>T, p.Pro156Leu (NM_001278914.2); c.439+1314C>T (NM_001278918.2); short protein forms P149L, P166L, P156L, P151L, P161L.
Identifiers: ClinVar variation 2009493 (VCV002009493.4), dbSNP rs1792196459, ClinGen allele CA367869706.